The following is an entry in ClinVar:

ClinVar aggregate classification (germline): Pathogenic/Likely pathogenic. Review status: criteria provided, multiple submitters, no conflicts (2 of 4 stars). 8 submissions from 8 submitters: Pathogenic (2); Likely pathogenic (5). 1 of the submissions does not count toward it. Last evaluated 2025-12-04.

Conditions:
KISS1R-related disorder. Also called: KISS1R-related condition.
Hypogonadotropic hypogonadism 8 without anosmia. Identifiers: MedGen C4016875.
Hypogonadotropic hypogonadism 8 with or without anosmia (HH8). Also called: HYPOGONADOTROPIC HYPOGONADISM 8 WITH ANOSMIA, SUSCEPTIBILITY TO; KISS1R-Related GnRH Deficiency. Identifiers: Orphanet 478, MedGen C3553841, MONDO:0013910, OMIM 614837.
Central precocious puberty 1. Also called: Precocious puberty, gonadotropin-dependent; Centra precocious puberty 1. Identifiers: Orphanet 759, MedGen C3805879, MONDO:0008302, OMIM 176400.

Allele frequency attached by ClinVar (database versions not stated): gnomAD 0.00001; gnomAD exomes 0.00001 and 0.00003; TOPMed 0.00001; ExAC 0.00005.

Submissions (8):

PreventionGenetics, part of Exact Sciences
Classification: Likely pathogenic for KISS1R-related condition. Last evaluated: 2025-12-04. Review status: criteria provided, single submitter. Criteria: ACMG Guidelines, 2015. Collection method: clinical testing. Allele origin: germline.
Comment: The KISS1R c.305T>C variant is predicted to result in the amino acid substitution p.Leu102Pro. This variant has been reported in individuals with hypogonadotropic hypogonadism (de Roux et al. 2003. PubMed ID: 12944565; Tenenbaum-Rakover et al 2007. PubMed ID: 17164310; Bride F et al 2013. PubMed ID: 23349759; Francou et al. 2016. PubMed ID: 27094476; Alzahrani AJ et al 2019. PubMed ID: 31885997). Functional studies showed that this variant decreases of IP accumulation and inhibits KISSI1R receptor signaling (Tenenbaum-Rakover et al 2007. PubMed ID: 17164310; Francou et al. 2016. PubMed ID: 27094476). Variable expressivity was reported. This variant is reported in 0.0057% of alleles in individuals of African descent in gnomAD. This variant is interpreted as likely pathogenic.

First Genomix Gene Laboratory, Genetic Diagnostics Department
Classification: Likely pathogenic for Hypogonadotropic hypogonadism 8 with or without anosmia. Last evaluated: 2025-03-19. Review status: criteria provided, single submitter. Criteria: ACMG Guidelines, 2015. Collection method: clinical testing. Allele origin: germline. Inheritance: Autosomal recessive inheritance. Affected: no. Observed: 1 variant allele.

Genomic Medicine Center of Excellence, King Faisal Specialist Hospital and Research Centre
Classification: Pathogenic for Hypogonadotropic hypogonadism 8 with or without anosmia. Last evaluated: 2024-03-29. Review status: criteria provided, single submitter. Criteria: ACMG Guidelines, 2015. Collection method: clinical testing. Allele origin: germline.

GeneDx
Classification: Likely pathogenic. Last evaluated: 2021-11-02. Review status: criteria provided, single submitter. Criteria: GeneDx Variant Classification Process June 2021. Collection method: clinical testing. Allele origin: germline. Affected: yes.
Comment: Observed with another KISS1R variant in a patient with congenital hypogonadotropic hypogonadism in published literature (Brioude et al., 2013); Published functional studies demonstrate a damaging effect on the function of the KISSR1 receptor protein; variant may also delay rather than completely impair the maturation of the hypothalamic-pituitary-gonadal axis (Tenenbaum-Rakover et al., 2007); In silico analysis, which includes protein predictors and evolutionary conservation, supports a deleterious effect; This variant is associated with the following publications: (PMID: 12944565, 17164310, 25147978, 31589614, 30205368, 31885997, 20816945, 23349759)

CeGaT Center for Human Genetics Tuebingen
Classification: Pathogenic. Last evaluated: 2021-01-01. Review status: criteria provided, single submitter. Criteria: CeGaT Center For Human Genetics Tuebingen Variant Classification Criteria Version 2. Collection method: clinical testing. Allele origin: germline. Affected: yes. Observed: 1 variant allele.

Revvity Omics, Revvity
Classification: Likely pathogenic. Last evaluated: 2020-04-05. Review status: criteria provided, single submitter. Criteria: ACMG Guidelines, 2015. Collection method: clinical testing. Allele origin: germline.

Centre for Mendelian Genomics, University Medical Centre Ljubljana
Classification: Likely pathogenic for Central precocious puberty 1. Last evaluated: 2019-07-01. Review status: criteria provided, single submitter. Criteria: ACMG Guidelines, 2015. Collection method: clinical testing. Allele origin: unknown. Affected: yes.
Comment: This variant was classified as: Likely pathogenic. The following ACMG criteria were applied in classifying this variant: PS1,PM2,PP3.

OMIM
Classification: Pathogenic for HYPOGONADOTROPIC HYPOGONADISM 8 WITHOUT ANOSMIA. Last evaluated: 2013-01-01. Review status: no assertion criteria provided. Collection method: literature only. Allele origin: germline. Not counted in ClinVar's aggregate classification.

Literature cited by the submitters: PubMed 17164310 (cited by OMIM); PubMed 23349759 (cited by OMIM).

NM_032551.5(KISS1R):c.305T>C (p.Leu102Pro)

Gene: KISS1R (KISS1 receptor; plus strand). Cytogenetic location: 19p13.3.
Variant type: single nucleotide variant.
Coding change: c.305T>C on transcript NM_032551.5 (MANE Select); coding-DNA position 305, T replaced by C.
Protein change: p.Leu102Pro; replaces leucine 102 with proline.
Molecular consequence: missense variant.
Genome position (GRCh38, 1-based): chr19:918,604, T>C. VCF-style: chr19-918604-T-C. GRCh37 (hg19) VCF-style: chr19-918604-T-C.
Other names: short protein forms L102P.
Identifiers: ClinVar variation 5759 (VCV000005759.51), dbSNP rs104894703, ClinGen allele CA130187.